The following is an entry in ClinVar:

NC_000023.10:g.(?_153609093)_(153609182_?)del

Gene: EMD (emerin; plus strand). Cytogenetic location: Xq28.
Variant type: Deletion.
Identifiers: ClinVar variation 830683 (VCV000830683.9).

ClinVar aggregate classification (germline): Pathogenic (1 of 4 stars; one submission).

Conditions:
X-linked Emery-Dreifuss muscular dystrophy. Also called: Muscular dystrophy, tardive Emery-Dreifuss type, with contractures. Identifiers: Orphanet 261, Orphanet 98863, MedGen C0751337, MONDO:0010680.

Submission:

Labcorp Genetics (formerly Invitae), Labcorp
Classification: Pathogenic for X-linked Emery-Dreifuss muscular dystrophy. Last evaluated: 2022-02-03. Review status: criteria provided, single submitter. Criteria: Invitae Variant Classification Sherloc (09022015). Collection method: clinical testing. Allele origin: germline.
Comment: For these reasons, this variant has been classified as Pathogenic. This variant disrupts a region of the EMD protein in which other variant(s) (p.Trp226*) have been determined to be pathogenic (PMID: 8589715, 15967842). This suggests that this is a clinically significant region of the protein, and that variants that disrupt it are likely to be disease-causing. This variant has not been reported in the literature in individuals affected with EMD-related conditions. This variant is a gross deletion of the genomic region encompassing exon(s) 3-6 of the EMD gene, which includes the termination codon. This deletion extends beyond the assayed region for this gene and therefore may encompass additional genes. While this deletion is not anticipated to lead to nonsense mediated decay, it is expected to alter mRNA translation or result in a truncated protein product.

Literature cited by the submitters: PubMed 8589715; PubMed 15967842.